The following is an entry in ClinVar:

NM_000017.4(ACADS):c.988_990delinsTGT (p.Arg330Cys)

Gene: ACADS (acyl-CoA dehydrogenase short chain; plus strand). Cytogenetic location: 12q24.31.
Variant type: Indel.
Coding change: c.988_990delinsTGT on transcript NM_000017.4 (MANE Select); coding-DNA positions 988 to 990, CGC replaced by TGT.
Protein change: p.Arg330Cys; replaces arginine 330 with cysteine.
Molecular consequence: missense variant.
Genome position (GRCh38, 1-based): chr12:120,738,874-120,738,876, CGC replaced by TGT. VCF-style: chr12-120738874-CGC-TGT. GRCh37 (hg19) VCF-style: chr12-121176677-CGC-TGT.
Other names: p.R330C:CGC>TGT; c.976_978delinsTGT, p.Arg326Cys (NM_001302554.2); c.988_990delinsTGT (NM_000017.3); short protein forms R326C, R330C.
Identifiers: ClinVar variation 203569 (VCV000203569.11), dbSNP rs796051906, ClinGen allele CA312246.
Genomic context (GRCh38, chr12:120,738,874, plus strand): 5'-TTGCAGTTCAAGTTGGCAGACATGGCCCTGGCCCTGGAGAGTGCCCGGCTGCTGACCTGG[CGC>TGT]GCTGCCATGCTGAAGGATAACAAGAAGCCTTTCATCAAGGTGCCCACAGGGGTCCCCGAG-3'
Protein context (NP_000008.1, residues 320-340): ALESARLLTW[Arg330Cys]AAMLKDNKKP

ClinVar aggregate classification (germline): Pathogenic/Likely pathogenic. Review status: criteria provided, multiple submitters, no conflicts (2 of 4 stars). 4 submissions from 4 submitters: Pathogenic (2); Likely pathogenic (1). 1 of the submissions does not count toward it. Last evaluated 2026-09-15.

Conditions:
ACADS-related disorder. Also called: ACADS-related condition.
Deficiency of butyryl-CoA dehydrogenase (ACADSD). Also called: ACADS DEFICIENCY; Short-Chain Acyl-CoA Dehydrogenase Deficiency; SCADH DEFICIENCY; SCAD DEFICIENCY, MILD; ACYL-CoA DEHYDROGENASE, SHORT-CHAIN, DEFICIENCY OF; SCAD Deficiency. Identifiers: Orphanet 26792, MedGen C0342783, MONDO:0008722, OMIM 201470. Disease mechanism: May be benign.

Submissions (4):

PreventionGenetics, part of Exact Sciences
Classification: Likely pathogenic for ACADS-related condition. Last evaluated: 2026-09-15. Review status: criteria provided, single submitter. Criteria: ACMG Guidelines, 2015. Collection method: clinical testing. Allele origin: germline.
Comment: The ACADS c.988_990delinsTGT variant is predicted to result in an in-frame deletion and insertion. To our knowledge, this variant has not been reported in the literature. However, a different variant (c.988C>T) leading to the same amino acid substitution has been reported, in the homozygous or compound heterozygous state, in multiple patients with short chain Acyl-CoA dehydrogenase deficiency (SCAD). Multiple reported individuals had biochemical testing consistent with the disease (Sadat et al. 2020. PubMed ID: 31813752, Kiykim et al. 2016. PubMed ID: 26055667, Waisbren et al. 2008. PubMed ID: 18676165, van Maldegem et al. 2006. PubMed ID: 16926354). Another missense variant affecting this amino acid (p.Arg330His) has also been reported in at least one patient with SCAD deficiency (van Maldegem et al. 2006. PubMed ID: 16926354). This variant was not detected in a large population database, indicating this variant is rare. This variant is interpreted as likely pathogenic.

Women's Health and Genetics/Laboratory Corporation of America, LabCorp
Classification: Pathogenic for Deficiency of butyryl-CoA dehydrogenase. Last evaluated: 2026-04-14. Review status: criteria provided, single submitter. Criteria: LabCorp Variant Classification Summary - May 2015. Collection method: clinical testing. Allele origin: germline.
Comment: Variant summary: ACADS c.988_990delinsTGT (p.Arg330Cys) results in a non-conservative amino acid change located in the C-terminal domain (IPR009075) of the encoded protein sequence. Algorithms developed to predict the effect of missense changes on protein structure and function are either unavailable or do not agree on the potential impact of this missense change. This variant is a multi-nucleotide variant, consisting of 12-121176677-C-T (c.988C>T, p.Arg330Cys) and 12-121176679-C-T (c.990C>T, p.Arg330Arg), where the latter synonymous variant is actually the major allele in most subpopulations. The two variants occur in cis a frequency of 0.00016 in 282298 control chromosomes. This frequency is not significantly higher than estimated for disease-causing variants in ACADS, allowing no conclusion about variant significance. The p.Arg330Cys variant has been reported in multiple individuals affected with Deficiency of butyryl-CoA dehydrogenase (e.g. van Maldegem_2006, Waisbren_2008, Kiykim_2016, Sadat_2020, Adhikari_2020, Maguolo_2020). These data indicate that the variant is very likely to be associated with disease. To our knowledge, no experimental evidence demonstrating an impact on protein function has been reported. However, a different variant affecting the same codon has been classified as likely pathogenic/pathogenic (c.989G>A (p.Arg330His), supporting the critical relevance of codon 330 to ACADS protein function. The following publications have been ascertained in the context of this evaluation (PMID: 32778825, 26055667, 31813752, 18676165, 16926354, 32793418). ClinVar contains an entry for this variant (Variation ID: 203569). Based on the evidence outlined above, the variant was classified as pathogenic.

GeneDx
Classification: Pathogenic. Last evaluated: 2023-01-13. Review status: criteria provided, single submitter. Criteria: GeneDx Variant Classification Process June 2021. Collection method: clinical testing. Allele origin: germline. Affected: yes.
Comment: In silico analysis supports a deleterious effect on protein structure/function; This variant is associated with the following publications: (PMID: 18676165, 16926354, 26055667)

Counsyl
Classification: Likely pathogenic for Deficiency of butyryl-CoA dehydrogenase. Last evaluated: 2016-12-21. Review status: no assertion criteria provided. Collection method: clinical testing. Allele origin: unknown. Not counted in ClinVar's aggregate classification.

Literature cited by the submitters: PubMed 32778825 (cited by Women's Health and Genetics/Laboratory Corporation of America, LabCorp); PubMed 32793418 (cited by Women's Health and Genetics/Laboratory Corporation of America, LabCorp); PubMed 26055667 (cited by Women's Health and Genetics/Laboratory Corporation of America, LabCorp); PubMed 31813752 (cited by Women's Health and Genetics/Laboratory Corporation of America, LabCorp); PubMed 18676165 (cited by Women's Health and Genetics/Laboratory Corporation of America, LabCorp); PubMed 16926354 (cited by Women's Health and Genetics/Laboratory Corporation of America, LabCorp).